The following is an entry in ClinVar:

ClinVar aggregate classification (germline): Uncertain significance (1 of 4 stars; one submission).

Conditions:
Pseudohypoparathyroidism type I A (PHP1A). Also called: PHP IA; Pseudohypoparathyroidism type 1A; ALBRIGHT HEREDITARY OSTEODYSTROPHY WITH MULTIPLE HORMONE RESISTANCE; Pseudohypoparathyroidism Type IA; Pseudohypoparathyroidism Ia (PHP-Ia). Identifiers: Orphanet 79443, MedGen C3494506, MONDO:0007078, OMIM 103580.

Submission:

Victorian Clinical Genetics Services, Murdoch Childrens Research Institute
Classification: Uncertain significance for Pseudohypoparathyroidism type I A. Last evaluated: 2024-09-23. Review status: criteria provided, single submitter. Criteria: ACMG Guidelines, 2015. Collection method: clinical testing. Allele origin: germline. Inheritance: Autosomal dominant inheritance. Affected: yes.
Comment: Based on the classification scheme VCGS_Germline_v1.3.4, this variant is classified as VUS-3A. Following criteria are met: 0103 - Both loss- and gain-of-function are known mechanisms of disease for this gene. Loss-of-function has been associated with the hypoparathyroidism phenotypes (PMID: 10980525), while gain-of-function has been reported for somatic variants in cancers (PMID: 11588148). (I) 0107 - This gene is associated with autosomal dominant disease. (I) 0113 - This gene is known to be imprinted and the imprinting can be transcript dependent (OMIM, PMID: 23884777). (I) 0115 - Variants in this gene are known to have variable expressivity (GeneReviews). 0200 - Variant is predicted to result in a missense amino acid change from aspartic acid to valine. (I) 0251 - This variant is heterozygous. (I) 0301 - Variant is absent from gnomAD (both v2 and v3). (SP) 0501 - Missense variant consistently predicted to be damaging by multiple in silico tools or highly conserved with a major amino acid change. (SP) 0600 - Variant is located in the annotated G-protein alpha subunit (DECIPHER). (I) 0705 - No comparable missense variants have previous evidence for pathogenicity. (I) 0807 - This variant has no previous evidence of pathogenicity. (I) 0905 - No published segregation evidence has been identified for this variant. (I) 1007 - No published functional evidence has been identified for this variant. (I) Legend: (SP) - Supporting pathogenic, (I) - Information, (SB) - Supporting benign

Literature cited by the submitters: PubMed 10980525; PubMed 11588148; PubMed 23884777.

NM_000516.7(GNAS):c.992A>T (p.Asp331Val)

Gene: GNAS (GNAS complex locus; plus strand). Cytogenetic location: 20q13.32.
Variant type: single nucleotide variant.
Coding change: c.992A>T on transcript NM_000516.7 (MANE Select); coding-DNA position 992, A replaced by T.
Protein change: p.Asp331Val; replaces aspartic acid 331 with valine.
Molecular consequence: missense variant. On other transcripts: 3 prime UTR variant (2).
Genome position (GRCh38, 1-based): chr20:58,910,355, A>T. VCF-style: chr20-58910355-A-T. GRCh37 (hg19) VCF-style: chr20-57485410-A-T.
Other names: c.995A>T, p.Asp332Val (NM_001077488.5); c.947A>T, p.Asp316Val (NM_001077489.4); c.*853A>T (NM_001077490.3); c.815A>T, p.Asp272Val (NM_001309840.2, NM_001309861.2); c.896A>T, p.Asp299Val (NM_001410912.1); c.2876A>T, p.Asp959Val (NM_001410913.1); c.*898A>T (NM_016592.5); c.2921A>T, p.Asp974Val (NM_080425.4); and 1 more; short protein forms D272V, D299V, D316V, D317V, D331V, D332V, D959V, D974V.
Identifiers: ClinVar variation 3376845 (VCV003376845.1).
Genomic context (GRCh38, chr20:58,910,355, plus strand): 5'-ATTTTAAATTACATTAATATGTATTCCCTTTTTATATAGCTACTCCCGAGCCCGGAGAGG[A>T]CCCACGCGTGACCCGGGCCAAGTACTTCATTCGAGATGAGTTTCTGGTGAGTCGAGCCTG-3'
Protein context (NP_000507.1, residues 321-341): PEDATPEPGE[Asp331Val]PRVTRAKYFI